The following is an entry in ClinVar:

NM_016151.4(TAOK2):c.16C>T (p.Arg6Trp)

Gene: TAOK2 (TAO kinase 2; plus strand). Cytogenetic location: 16p11.2.
Variant type: single nucleotide variant.
Coding change: c.16C>T on transcript NM_016151.4 (MANE Select); coding-DNA position 16, C replaced by T.
Protein change: p.Arg6Trp; replaces arginine 6 with tryptophan.
Molecular consequence: missense variant.
Genome position (GRCh38, 1-based): chr16:29,977,788, C>T. VCF-style: chr16-29977788-C-T. GRCh37 (hg19) VCF-style: chr16-29989109-C-T.
Other names: c.16C>T, p.Arg6Trp (NM_001252043.2, NM_004783.4); short protein forms R6W.
Identifiers: ClinVar variation 1392046 (VCV001392046.8), dbSNP rs146116179, ClinGen allele CA7997693.

ClinVar aggregate classification (germline): Uncertain significance (1 of 4 stars; one submission).

Allele frequency attached by ClinVar (database versions not stated): gnomAD 0.00001; gnomAD exomes 0.00001; TOPMed 0.00002; ExAC 0.00003; ESP Exome Variant Server 0.00008.
gnomAD v4.1: 15 of 1,613,946 alleles (0.00093%); highest among the groups gnomAD compares: East Asian, 0.0022%; no homozygotes.

Submission:

Labcorp Genetics (formerly Invitae), Labcorp
Classification: Uncertain significance. Last evaluated: 2025-12-29. Review status: criteria provided, single submitter. Criteria: Invitae Variant Classification Sherloc (09022015). Collection method: clinical testing. Allele origin: germline.
Comment: This sequence change replaces arginine, which is basic and polar, with tryptophan, which is neutral and slightly polar, at codon 6 of the TAOK2 protein (p.Arg6Trp). This variant is present in population databases (rs146116179, gnomAD 0.002%). This variant has not been reported in the literature in individuals affected with TAOK2-related conditions. ClinVar contains an entry for this variant (Variation ID: 1392046). An algorithm developed to predict the effect of missense changes on protein structure and function (PolyPhen-2) suggests that this variant is likely to be disruptive. In summary, the available evidence is currently insufficient to determine the role of this variant in disease. Therefore, it has been classified as a Variant of Uncertain Significance.